The following is an entry in ClinVar:

NM_001321278.2(TSEN2):c.1422A>C (p.Ser474=)

Gene: TSEN2 (tRNA splicing endonuclease subunit 2; plus strand). Cytogenetic location: 3p25.2.
Variant type: single nucleotide variant.
Coding change: c.1422A>C on transcript NM_001321278.2; coding-DNA position 1422, A replaced by C.
Protein change: p.Ser474=; no amino-acid change (serine 474 retained).
Molecular consequence: synonymous variant. On other transcripts: non-coding transcript variant (1).
Genome position (GRCh38, 1-based): chr3:12,539,244, A>C. VCF-style: chr3-12539244-A-C. GRCh37 (hg19) VCF-style: chr3-12580743-A-C.
Identifiers: ClinVar variation 4083880 (VCV004083880.8).

ClinVar aggregate classification (germline): Likely benign (1 of 4 stars; one submission).

Submission:

CeGaT Center for Human Genetics Tuebingen
Classification: Likely benign. Last evaluated: 2025-07-01. Review status: criteria provided, single submitter. Criteria: CeGaT Center For Human Genetics Tuebingen Variant Classification Criteria Version 2. Collection method: clinical testing. Allele origin: germline. Affected: yes. Observed: 1 variant allele.
Comment: TSEN2: BP4, BP7